The following is an entry in ClinVar:

NM_181486.4(TBX5):c.1221C>G (p.Tyr407Ter)

Gene: TBX5 (T-box transcription factor 5; minus strand). Cytogenetic location: 12q24.21.
Variant type: single nucleotide variant.
Coding change: c.1221C>G on transcript NM_181486.4 (MANE Select); coding-DNA position 1221, C replaced by G.
Protein change: p.Tyr407Ter; replaces tyrosine 407 with a stop codon.
Molecular consequence: nonsense.
Genome position (GRCh38, 1-based): chr12:114,355,868, G>C on the plus strand (C>G on the coding strand, the complement: TBX5 is on the minus strand). VCF-style: chr12-114355868-G-C. GRCh37 (hg19) VCF-style: chr12-114793673-G-C.
Other names: c.1221C>G, p.Tyr407Ter (NM_000192.3); c.1071C>G, p.Tyr357Ter (NM_080717.4); short protein forms Y407*, Y357*.
Identifiers: ClinVar variation 495227 (VCV000495227.1), dbSNP rs1555223259, ClinGen allele CA386925523.

ClinVar aggregate classification (germline): Pathogenic (1 of 4 stars; one submission).

Conditions:
Mitral regurgitation. Identifiers: MedGen C0026266, MONDO:1030008, HP:0001653.
Ventricular septal defect. Identifiers: MedGen C0018818, MONDO:0002070, HP:0001629.
Atrial septal defect, ostium secundum type. Also called: Secundum atrial septal defect; ASD II. Identifiers: Orphanet 99103, MedGen C0344724, MONDO:0020434, HP:0001684.

Submission:

Embryology Laboratory, Victor Chang Cardiac Research Institute
Classification: Pathogenic for Atrial septal defect, ostium secundum type; Ventricular septal defect; Mitral regurgitation. Last evaluated: 2017-09-08. Review status: criteria provided, single submitter. Criteria: ACMG Guidelines, 2015. Collection method: research. Allele origin: germline. Inheritance: Autosomal dominant inheritance. Affected: yes. Observed: 6 variant alleles.
Comment: This variant was identified in an Australian family of Caucasian origin. This novel truncating variant (with respect to ExAC) segregates with disease in 6 affected individuals across 3 generations. These patients all exhibit congenital heart disease, predominantly in the form of cardiac septal defects but also with electrical conduction anomalies of the heart.

Literature cited by the submitters: PubMed 29555671.